The following is an entry in ClinVar:

ClinVar aggregate classification (germline): Pathogenic (1 of 4 stars; one submission).

Submission:

Labcorp Genetics (formerly Invitae), Labcorp
Classification: Pathogenic. Last evaluated: 2022-06-20. Review status: criteria provided, single submitter. Criteria: Invitae Variant Classification Sherloc (09022015). Collection method: clinical testing. Allele origin: germline.
Comment: This sequence change creates a premature translational stop signal (p.Ile146Asnfs*29) in the ELOVL4 gene. It is expected to result in an absent or disrupted protein product. Loss-of-function variants in ELOVL4 are known to be pathogenic (PMID: 24571530). For these reasons, this variant has been classified as Pathogenic. This variant has not been reported in the literature in individuals affected with ELOVL4-related conditions. This variant is not present in population databases (gnomAD no frequency).

Literature cited by the submitters: PubMed 24571530.

NM_022726.4(ELOVL4):c.436dup (p.Ile146fs)

Gene: ELOVL4 (ELOVL fatty acid elongase 4; minus strand). Cytogenetic location: 6q14.1.
Variant type: Duplication.
Coding change: c.436dup on transcript NM_022726.4 (MANE Select); coding-DNA position 436, one base duplicated (A; older notation c.436dupA).
Protein change: p.Ile146fs; shifts the reading frame from isoleucine 146.
Molecular consequence: frameshift variant.
Genome position (GRCh38, 1-based): chr6:79,921,730, T duplicated on the plus strand (A on the coding strand, the reverse complement: ELOVL4 is on the minus strand). VCF-style (leftmost placement, unchanged base first): chr6-79921729-A-AT. GRCh37 (hg19) VCF-style: chr6-80631446-A-AT.
Other names: short protein forms I146fs.
Identifiers: ClinVar variation 1352603 (VCV001352603.6), dbSNP rs2127698518, ClinGen allele CA2573141259.